The following is an entry in ClinVar:

NM_015662.3(IFT172):c.3632T>G (p.Leu1211Trp)

Genes: IFT172 (intraflagellar transport 172; minus strand), LOC126806173 (BRD4-independent group 4 enhancer GRCh37_chr2:27676057-27677256; plus strand). Cytogenetic location: 2p23.3.
Variant type: single nucleotide variant.
Coding change: c.3632T>G on transcript NM_015662.3 (MANE Select); coding-DNA position 3632, T replaced by G.
Protein change: p.Leu1211Trp; replaces leucine 1211 with tryptophan.
Molecular consequence: missense variant.
Genome position (GRCh38, 1-based): chr2:27,454,061, A>C on the plus strand (T>G on the coding strand, the complement: IFT172 is on the minus strand). VCF-style: chr2-27454061-A-C. GRCh37 (hg19) VCF-style: chr2-27676928-A-C.
Other names: c.3632T>G (NM_015662.2); short protein forms L1211W.
Identifiers: ClinVar variation 1007667 (VCV001007667.9), dbSNP rs532669006, ClinGen allele CA1579913.
Genomic context (GRCh38, chr2:27,454,061, plus strand): 5'-AGGCCTGGTCTCTGGGCCCGGAGCAGCAGCCCTTCTGCTTTCTGAAAGTCCTTCTCCTCC[A>C]AGGCCCCCCGGGCCTGTCCCACAAGCACCTCGGCGACACTGTCAGGGTCGTGAGCCTCAG-3'
Protein context (NP_056477.1, residues 1201-1221): EVLVGQARGA[Leu1211Trp]EEKDFQKAEG

ClinVar aggregate classification (germline): Uncertain significance. Review status: criteria provided, multiple submitters, no conflicts (2 of 4 stars). 3 submissions from 3 submitters: Uncertain significance (3). Last evaluated 2026-03-04.

Conditions:
Retinitis pigmentosa 71 (RP71). Identifiers: Orphanet 791, MedGen C4225342, MONDO:0014618, OMIM 616394.
Short-rib thoracic dysplasia 10 with or without polydactyly (SRTD10). Identifiers: Orphanet 474, MedGen C3810175, MONDO:0014284, OMIM 615630.
IFT172-related disorder. Also called: IFT172-related condition; IFT172-related disorders.
Bardet-Biedl syndrome 20. Identifiers: MedGen C4310707, MONDO:0023670, OMIM 619471, MONDO:0014926.

Allele frequency attached by ClinVar (database versions not stated): 1000 Genomes Project 0.00020; gnomAD below 0.00001 and 0.00009; gnomAD exomes below 0.00001 and 0.00001; ExAC 0.00001; 1000 Genomes Project 30x 0.00016.
gnomAD v4.1: 26 of 1,613,826 alleles (0.0016%); highest among the groups gnomAD compares: South Asian, 0.029%; no homozygotes.

Submissions (3):

PreventionGenetics, part of Exact Sciences
Classification: Uncertain significance for IFT172-related condition. Last evaluated: 2026-03-04. Review status: criteria provided, single submitter. Criteria: ACMG Guidelines, 2015. Collection method: clinical testing. Allele origin: germline.
Comment: The IFT172 c.3632T>G variant is predicted to result in the amino acid substitution p.Leu1211Trp. To our knowledge, this variant has not been reported in the literature. This variant is reported in 0.0033% of alleles in individuals of South Asian descent in gnomAD. At this time, the clinical significance of this variant is uncertain due to the absence of conclusive functional and genetic evidence.

Labcorp Genetics (formerly Invitae), Labcorp
Classification: Uncertain significance for Retinitis pigmentosa 71; Short-rib thoracic dysplasia 10 with or without polydactyly. Last evaluated: 2023-08-04. Review status: criteria provided, single submitter. Criteria: Invitae Variant Classification Sherloc (09022015). Collection method: clinical testing. Allele origin: germline.
Comment: This sequence change replaces leucine, which is neutral and non-polar, with tryptophan, which is neutral and slightly polar, at codon 1211 of the IFT172 protein (p.Leu1211Trp). This variant is present in population databases (rs532669006, gnomAD 0.003%). This variant has not been reported in the literature in individuals affected with IFT172-related conditions. ClinVar contains an entry for this variant (Variation ID: 1007667). Advanced modeling of protein sequence and biophysical properties (such as structural, functional, and spatial information, amino acid conservation, physicochemical variation, residue mobility, and thermodynamic stability) performed at Invitae indicates that this missense variant is not expected to disrupt IFT172 protein function. In summary, the available evidence is currently insufficient to determine the role of this variant in disease. Therefore, it has been classified as a Variant of Uncertain Significance.

Fulgent Genetics
Classification: Uncertain significance for Short-rib thoracic dysplasia 10 with or without polydactyly; Retinitis pigmentosa 71; Bardet-Biedl syndrome 20. Last evaluated: 2021-11-11. Review status: criteria provided, single submitter. Criteria: ACMG Guidelines, 2015. Collection method: clinical testing. Allele origin: unknown.